The following is an entry in ClinVar:

NM_006922.4(SCN3A):c.3050A>G (p.Tyr1017Cys)

Gene: SCN3A (sodium voltage-gated channel alpha subunit 3; minus strand). Cytogenetic location: 2q24.3.
Variant type: single nucleotide variant.
Coding change: c.3050A>G on transcript NM_006922.4 (MANE Select); coding-DNA position 3050, A replaced by G.
Protein change: p.Tyr1017Cys; replaces tyrosine 1017 with cysteine.
Molecular consequence: missense variant.
Genome position (GRCh38, 1-based): chr2:165,127,974, T>C on the plus strand (A>G on the coding strand, the complement: SCN3A is on the minus strand). VCF-style: chr2-165127974-T-C. GRCh37 (hg19) VCF-style: chr2-165984484-T-C.
Other names: c.2903A>G, p.Tyr968Cys (NM_001081676.2, NM_001081677.2); short protein forms Y968C, Y1017C.
Identifiers: ClinVar variation 2792503 (VCV002792503.3), dbSNP rs2468236724, ClinGen allele CA349041232.

ClinVar aggregate classification (germline): Uncertain significance (1 of 4 stars; one submission).

gnomAD v4.1: 1 of 1,614,134 alleles (0.000062%); highest among the groups gnomAD compares: Non-Finnish European, 0.000085%; no homozygotes.

Submission:

Labcorp Genetics (formerly Invitae), Labcorp
Classification: Uncertain significance. Last evaluated: 2023-09-10. Review status: criteria provided, single submitter. Criteria: Invitae Variant Classification Sherloc (09022015). Collection method: clinical testing. Allele origin: germline.
Comment: Advanced modeling of protein sequence and biophysical properties (such as structural, functional, and spatial information, amino acid conservation, physicochemical variation, residue mobility, and thermodynamic stability) has been performed at Invitae for this missense variant, however the output from this modeling did not meet the statistical confidence thresholds required to predict the impact of this variant on SCN3A protein function. In summary, the available evidence is currently insufficient to determine the role of this variant in disease. Therefore, it has been classified as a Variant of Uncertain Significance. This variant has not been reported in the literature in individuals affected with SCN3A-related conditions. This variant is not present in population databases (gnomAD no frequency). This sequence change replaces tyrosine, which is neutral and polar, with cysteine, which is neutral and slightly polar, at codon 1017 of the SCN3A protein (p.Tyr1017Cys).